The following is an entry in ClinVar:

NM_006231.4(POLE):c.2590A>C (p.Ile864Leu)

Gene: POLE (DNA polymerase epsilon, catalytic subunit; minus strand). Cytogenetic location: 12q24.33.
Variant type: single nucleotide variant.
Coding change: c.2590A>C on transcript NM_006231.4 (MANE Select); coding-DNA position 2590, A replaced by C.
Protein change: p.Ile864Leu; replaces isoleucine 864 with leucine.
Molecular consequence: missense variant.
Genome position (GRCh38, 1-based): chr12:132,664,120, T>G on the plus strand (A>C on the coding strand, the complement: POLE is on the minus strand). VCF-style: chr12-132664120-T-G. GRCh37 (hg19) VCF-style: chr12-133240706-T-G.
Other names: short protein forms I864L.
Identifiers: ClinVar variation 2770744 (VCV002770744.3), dbSNP rs753146351, ClinGen allele CA387395809.

ClinVar aggregate classification (germline): Uncertain significance (1 of 4 stars; one submission).

Submission:

Labcorp Genetics (formerly Invitae), Labcorp
Classification: Uncertain significance. Last evaluated: 2025-05-07. Review status: criteria provided, single submitter. Criteria: Invitae Variant Classification Sherloc (09022015). Collection method: clinical testing. Allele origin: germline.
Comment: This sequence change replaces isoleucine, which is neutral and non-polar, with leucine, which is neutral and non-polar, at codon 864 of the POLE protein (p.Ile864Leu). This variant is not present in population databases (gnomAD no frequency). This variant has not been reported in the literature in individuals affected with POLE-related conditions. ClinVar contains an entry for this variant (Variation ID: 2770744). Invitae Evidence Modeling of protein sequence and biophysical properties (such as structural, functional, and spatial information, amino acid conservation, physicochemical variation, residue mobility, and thermodynamic stability) indicates that this missense variant is expected to disrupt POLE protein function with a positive predictive value of 80%. In summary, the available evidence is currently insufficient to determine the role of this variant in disease. Therefore, it has been classified as a Variant of Uncertain Significance.